The following is an entry in ClinVar:

ClinVar aggregate classification (germline): Pathogenic. Review status: criteria provided, multiple submitters, no conflicts (2 of 4 stars). 3 submissions from 3 submitters: Pathogenic (3). Last evaluated 2024-03-07.

Conditions:
Cardiovascular phenotype. Identifiers: MedGen CN230736.
MYPN-related myopathy (CMYO24). Also called: Nemaline myopathy 11, autosomal recessive. Identifiers: MedGen C4479186, MONDO:0015023, OMIM 617336.
Dilated cardiomyopathy 1KK (CMD1KK). Identifiers: Orphanet 154, Orphanet 75249, MedGen C3714995, MONDO:0014100, OMIM 615248.

Submissions (3):

Ambry Genetics
Classification: Pathogenic for Cardiovascular phenotype. Last evaluated: 2024-03-07. Review status: criteria provided, single submitter. Criteria: Ambry Variant Classification Scheme 2023. Collection method: clinical testing. Allele origin: germline.
Comment: The p.R489* pathogenic mutation (also known as c.1465C>T), located in coding exon 7 of the MYPN gene, results from a C to T substitution at nucleotide position 1465. This changes the amino acid from an arginine to a stop codon within coding exon 7. This variant has been reported in a neuromuscular diseases cohort but clinical details were limited (B&ouml;rkl&uuml;-Y&uuml;cel E et al, Neurol Sci. 2020 Aug;41(8):2157-2164). This variant is considered to be rare based on population cohorts in the Genome Aggregation Database (gnomAD). This alteration is expected to result in loss of function by premature protein truncation or nonsense-mediated mRNA decay. As such, this alteration is interpreted as a disease-causing mutation.

Labcorp Genetics (formerly Invitae), Labcorp
Classification: Pathogenic for Dilated cardiomyopathy 1KK. Last evaluated: 2022-10-09. Review status: criteria provided, single submitter. Criteria: Invitae Variant Classification Sherloc (09022015). Collection method: clinical testing. Allele origin: germline.
Comment: For these reasons, this variant has been classified as Pathogenic. This premature translational stop signal has been observed in individual(s) with clinical features of nemaline myopathy (PMID: 32140910). This variant is not present in population databases (gnomAD no frequency). This sequence change creates a premature translational stop signal (p.Arg489*) in the MYPN gene. It is expected to result in an absent or disrupted protein product. Loss-of-function variants in MYPN are known to be pathogenic (PMID: 28017374).

Kariminejad - Najmabadi Pathology & Genetics Center
Classification: Pathogenic for MYPN-related myopathy. Last evaluated: 2022-10-05. Review status: criteria provided, single submitter. Criteria: ACMG Guidelines, 2015. Collection method: clinical testing. Allele origin: germline. Inheritance: Autosomal recessive inheritance. Affected: yes.
Comment: PM2, PVS1, PP4

Literature cited by the submitters: PubMed 32140910 (cited by Labcorp Genetics (formerly Invitae), Labcorp); PubMed 28017374 (cited by Labcorp Genetics (formerly Invitae), Labcorp).

NM_032578.4(MYPN):c.1465C>T (p.Arg489Ter)

Gene: MYPN (myopalladin; plus strand). Cytogenetic location: 10q21.3.
Variant type: single nucleotide variant.
Coding change: c.1465C>T on transcript NM_032578.4 (MANE Select); coding-DNA position 1465, C replaced by T.
Protein change: p.Arg489Ter; replaces arginine 489 with a stop codon.
Molecular consequence: nonsense. On other transcripts: non-coding transcript variant (1).
Genome position (GRCh38, 1-based): chr10:68,161,734, C>T. VCF-style: chr10-68161734-C-T. GRCh37 (hg19) VCF-style: chr10-69921491-C-T.
Other names: c.1465C>T, p.Arg489Ter (NM_001256267.2); c.583C>T, p.Arg195Ter (NM_001256268.2); c.1465C>T (NM_032578.2); short protein forms R195*, R489*.
Identifiers: ClinVar variation 2177807 (VCV002177807.6), dbSNP rs2495701378, ClinGen allele CA376835981.